The following is an entry in ClinVar:

NM_006267.5(RANBP2):c.4184T>C (p.Phe1395Ser)

Gene: RANBP2 (RAN binding protein 2; plus strand). Cytogenetic location: 2q13.
Variant type: single nucleotide variant.
Coding change: c.4184T>C on transcript NM_006267.5 (MANE Select); coding-DNA position 4184, T replaced by C.
Protein change: p.Phe1395Ser; replaces phenylalanine 1395 with serine.
Molecular consequence: missense variant.
Genome position (GRCh38, 1-based): chr2:108,764,723, T>C. VCF-style: chr2-108764723-T-C. GRCh37 (hg19) VCF-style: chr2-109381179-T-C.
Other names: short protein forms F1395S.
Identifiers: ClinVar variation 1484452 (VCV001484452.9), dbSNP rs1406078122, ClinGen allele CA348065907.

ClinVar aggregate classification (germline): Uncertain significance (1 of 4 stars; one submission).

Conditions:
Familial acute necrotizing encephalopathy (IIAE3). Also called: ENCEPHALOPATHY, ACUTE, INFECTION-INDUCED, SUSCEPTIBILITY TO, 3; Susceptibility to Acute Necrotizing Encephalopathy 1. Identifiers: Orphanet 88619, MedGen C2675556, MONDO:0011953, OMIM 608033.

Allele frequency attached by ClinVar (database versions not stated): gnomAD exomes below 0.00001 and 0.00001.
gnomAD v4.1: 6 of 1,614,018 alleles (0.00037%); highest among the groups gnomAD compares: East Asian, 0.0045%; no homozygotes.

Submission:

Labcorp Genetics (formerly Invitae), Labcorp
Classification: Uncertain significance for Familial acute necrotizing encephalopathy. Last evaluated: 2020-11-06. Review status: criteria provided, single submitter. Criteria: Invitae Variant Classification Sherloc (09022015). Collection method: clinical testing. Allele origin: germline.
Comment: In summary, the available evidence is currently insufficient to determine the role of this variant in disease. Therefore, it has been classified as a Variant of Uncertain Significance. Algorithms developed to predict the effect of missense changes on protein structure and function output the following: SIFT: "Tolerated"; PolyPhen-2: "Benign"; Align-GVGD: "Class C0". The serine amino acid residue is found in multiple mammalian species, suggesting that this missense change does not adversely affect protein function. These predictions have not been confirmed by published functional studies and their clinical significance is uncertain. This sequence change replaces phenylalanine with serine at codon 1395 of the RANBP2 protein (p.Phe1395Ser). The phenylalanine residue is highly conserved and there is a large physicochemical difference between phenylalanine and serine. This variant is not present in population databases (ExAC no frequency). This variant has not been reported in the literature in individuals with RANBP2-related conditions.